The following is an entry in ClinVar:

NM_001271.4(CHD2):c.4009-3C>T

Gene: CHD2 (chromodomain helicase DNA binding protein 2; plus strand). Cytogenetic location: 15q26.1.
Variant type: single nucleotide variant.
Coding change: c.4009-3C>T on transcript NM_001271.4 (MANE Select); 3 bases into the intron before coding-DNA position 4009, C replaced by T.
Molecular consequence: intron variant.
Genome position (GRCh38, 1-based): chr15:93,000,509, C>T. VCF-style: chr15-93000509-C-T. GRCh37 (hg19) VCF-style: chr15-93543739-C-T.
Identifiers: ClinVar variation 2898957 (VCV002898957.3), dbSNP rs2505599225, ClinGen allele CA2630477124.
Genomic context (GRCh38, chr15:93,000,509, plus strand): 5'-GTTTGGTTATGCTTTTGAGTGTCTTGATTTGTATTTTAATCATCATTTTCTCTCCTTTTC[C>T]AGGCCAAATTAAAGAAGCGGAAGCCTCGGGTAAAGAAGGAAAACAAAGTGCCCAGGCTGA-3'

ClinVar aggregate classification (germline): Uncertain significance (1 of 4 stars; one submission).

Conditions:
Developmental and epileptic encephalopathy 94 (DEE94). Also called: CHD2-Related Neurodevelopmental Disorders; Epileptic encephalopathy, childhood-onset. Identifiers: Orphanet 1942, Orphanet 2382, MedGen C3809278, MONDO:0014150, OMIM 615369.

Allele frequency attached by ClinVar (database versions not stated): gnomAD exomes below 0.00001.
gnomAD v4.1: 1 of 1,602,950 alleles (0.000062%); highest among the groups gnomAD compares: African/African-American, 0.0013%; no homozygotes.

Submission:

Labcorp Genetics (formerly Invitae), Labcorp
Classification: Uncertain significance for Developmental and epileptic encephalopathy 94. Last evaluated: 2024-12-17. Review status: criteria provided, single submitter. Criteria: Invitae Variant Classification Sherloc (09022015). Collection method: clinical testing. Allele origin: germline.
Comment: This sequence change falls in intron 31 of the CHD2 gene. It does not directly change the encoded amino acid sequence of the CHD2 protein. It affects a nucleotide within the consensus splice site. This variant is not present in population databases (gnomAD no frequency). This variant has not been reported in the literature in individuals affected with CHD2-related conditions. ClinVar contains an entry for this variant (Variation ID: 2898957). Variants that disrupt the consensus splice site are a relatively common cause of aberrant splicing (PMID: 17576681, 9536098). Algorithms developed to predict the effect of sequence changes on RNA splicing suggest that this variant is not likely to affect RNA splicing. In summary, the available evidence is currently insufficient to determine the role of this variant in disease. Therefore, it has been classified as a Variant of Uncertain Significance.

Literature cited by the submitters: PubMed 17576681; PubMed 9536098.